The following is an entry in ClinVar:

NM_004006.3(DMD):c.3126G>C (p.Lys1042Asn)

Gene: DMD (dystrophin; minus strand). Cytogenetic location: Xp21.1.
Variant type: single nucleotide variant.
Coding change: c.3126G>C on transcript NM_004006.3 (MANE Select); coding-DNA position 3126, G replaced by C.
Protein change: p.Lys1042Asn; replaces lysine 1042 with asparagine.
Molecular consequence: missense variant.
Genome position (GRCh38, 1-based): chrX:32,468,534, C>G on the plus strand (G>C on the coding strand, the complement: DMD is on the minus strand). VCF-style: chrX-32468534-C-G. GRCh37 (hg19) VCF-style: chrX-32486651-C-G.
Other names: c.3126G>C (NM_004006.2); c.3102G>C, p.Lys1034Asn (NM_000109.4); c.3114G>C, p.Lys1038Asn (NM_004009.3); c.2757G>C, p.Lys919Asn (NM_004010.3); short protein forms K1034N, K1038N, K1042N, K919N.
Identifiers: ClinVar variation 999630 (VCV000999630.14), dbSNP rs2040289618, ClinGen allele CA412666812.

ClinVar aggregate classification (germline): Uncertain significance. Review status: criteria provided, multiple submitters, no conflicts (2 of 4 stars). 3 submissions from 3 submitters: Uncertain significance (2). 1 of the submissions does not count toward it. Last evaluated 2025-12-15.

Conditions:
Cardiovascular phenotype. Identifiers: MedGen CN230736.
Duchenne muscular dystrophy (DMD). Also called: MUSCULAR DYSTROPHY, PSEUDOHYPERTROPHIC PROGRESSIVE, DUCHENNE TYPE; Duchenne Muscular Dystrophy (DMD). Identifiers: Orphanet 98896, MedGen C0013264, MONDO:0010679, OMIM 310200.
Dystrophin deficiency.
Becker muscular dystrophy (BMD). Also called: MUSCULAR DYSTROPHY, PSEUDOHYPERTROPHIC PROGRESSIVE, BECKER TYPE; Becker Muscular Dystrophy (BMD). Identifiers: Orphanet 98895, MedGen C0917713, MONDO:0010311, OMIM 300376.
Cardiomyopathy (CMYO). Also called: Cardiomyopathies. Identifiers: Orphanet 167848, MedGen C0878544, MONDO:0004994, HP:0001638. Inheritance: Various modes of inheritance.

Allele frequency attached by ClinVar (database versions not stated): TOPMed 0.00002.

Submissions (3):

Ambry Genetics
Classification: Uncertain significance for Cardiovascular phenotype. Last evaluated: 2025-12-15. Review status: criteria provided, single submitter. Criteria: Ambry Variant Classification Scheme 2023. Collection method: clinical testing. Allele origin: germline.

Labcorp Genetics (formerly Invitae), Labcorp
Classification: Uncertain significance for Duchenne muscular dystrophy. Last evaluated: 2024-03-16. Review status: criteria provided, single submitter. Criteria: Invitae Variant Classification Sherloc (09022015). Collection method: clinical testing. Allele origin: germline.
Comment: This sequence change replaces lysine, which is basic and polar, with asparagine, which is neutral and polar, at codon 1042 of the DMD protein (p.Lys1042Asn). This variant is not present in population databases (gnomAD no frequency). This variant has not been reported in the literature in individuals affected with DMD-related conditions. ClinVar contains an entry for this variant (Variation ID: 999630). Advanced modeling of protein sequence and biophysical properties (such as structural, functional, and spatial information, amino acid conservation, physicochemical variation, residue mobility, and thermodynamic stability) performed at Invitae indicates that this missense variant is not expected to disrupt DMD protein function with a negative predictive value of 95%. In summary, the available evidence is currently insufficient to determine the role of this variant in disease. Therefore, it has been classified as a Variant of Uncertain Significance.

Natera, Inc.
Classification: Uncertain significance for Becker muscular dystrophy; Cardiomyopathy; Duchenne muscular dystrophy; Dystrophin deficiency. Last evaluated: 2020-02-21. Review status: no assertion criteria provided. Collection method: clinical testing. Allele origin: germline. Not counted in ClinVar's aggregate classification.